The following is an entry in ClinVar:

NM_001042492.3(NF1):c.4332+2T>C

Gene: NF1 (neurofibromin 1; plus strand). Cytogenetic location: 17q11.2.
Variant type: single nucleotide variant.
Coding change: c.4332+2T>C on transcript NM_001042492.3 (MANE Select); the canonical splice donor site of the intron after coding-DNA position 4332, T replaced by C.
Molecular consequence: splice donor variant.
Genome position (GRCh38, 1-based): chr17:31,258,504, T>C. VCF-style: chr17-31258504-T-C. GRCh37 (hg19) VCF-style: chr17-29585522-T-C.
Other names: c.4269+2T>C (NM_000267.4).
Identifiers: ClinVar variation 188306 (VCV000188306.14), dbSNP rs786204207, ClinGen allele CA334574.

ClinVar aggregate classification (germline): Pathogenic/Likely pathogenic. Review status: criteria provided, multiple submitters, no conflicts (2 of 4 stars). 4 submissions from 4 submitters: Pathogenic (2); Likely pathogenic (2). Last evaluated 2025-05-03.

Conditions:
Hereditary cancer-predisposing syndrome. Also called: Hereditary Cancer Syndrome; Neoplastic Syndromes, Hereditary; Tumor predisposition; Hereditary neoplastic syndrome. Identifiers: Orphanet 140162, MedGen C0027672, MeSH D009386, MONDO:0015356.
Cardiovascular phenotype. Identifiers: MedGen CN230736.
Neurofibromatosis, type 1 (NF1). Also called: NEUROFIBROMATOSIS, TYPE I, SOMATIC; VON RECKLINGHAUSEN DISEASE; Peripheral type neurofibromatosis; Neurofibromatosis, type I. Identifiers: Orphanet 636, MedGen C0027831, MONDO:0018975, OMIM 162200. Disease mechanism: loss of function.

Submissions (5):

Ambry Genetics
Classification: Likely pathogenic for Cardiovascular phenotype; Hereditary cancer-predisposing syndrome. Last evaluated: 2025-05-03. Review status: criteria provided, single submitter. Criteria: Ambry Variant Classification Scheme 2023. Collection method: clinical testing. Allele origin: germline.
Comment: The c.4269+2T>C intronic variant results from a T to C substitution two nucleotides after coding exon 31 in the NF1 gene. In silico splice site analysis predicts that this alteration will weaken the native splice donor site; however, direct evidence is insufficient at this time (Ambry internal data). Functional study demonstrated that this variant leads to an in-frame deletion (Pros E et al. Hum Mutat, 2008 Sep;29:E173-93). This variant was reported in individual(s) with features consistent with Neurofibromatosis type 1 (Giugliano T et al. Genes (Basel), 2019 Jul;10:; Pros E et al. Hum Mutat, 2008 Sep;29:E173-93; Ambry internal data). This variant is considered to be rare based on population cohorts in the Genome Aggregation Database (gnomAD). Based on the majority of available evidence to date, this variant is likely to be pathogenic.

Labcorp Genetics (formerly Invitae), Labcorp
Classification: Pathogenic for Neurofibromatosis, type 1. Last evaluated: 2024-03-03. Review status: criteria provided, single submitter. Criteria: Invitae Variant Classification Sherloc (09022015). Collection method: clinical testing. Allele origin: germline.
Comment: This sequence change affects a donor splice site in intron 31 of the NF1 gene. It is expected to disrupt RNA splicing. Variants that disrupt the donor or acceptor splice site typically lead to a loss of protein function (PMID: 16199547), and loss-of-function variants in NF1 are known to be pathogenic (PMID: 10712197, 23913538). This variant is not present in population databases (gnomAD no frequency). Disruption of this splice site has been observed in individuals with neurofibromatosis type 1 (PMID: 16461335, 28961165, 30014477; Invitae). ClinVar contains an entry for this variant (Variation ID: 188306). Algorithms developed to predict the effect of sequence changes on RNA splicing suggest that this variant may disrupt the consensus splice site. For these reasons, this variant has been classified as Pathogenic.

Genome-Nilou Lab
Classification: Pathogenic for Neurofibromatosis, type 1. Last evaluated: 2022-03-15. Review status: criteria provided, single submitter. Criteria: ACMG Guidelines, 2015. Collection method: clinical testing. Allele origin: germline. Affected: no.

Center for Human Genetics, Inc
Classification: Likely pathogenic for Neurofibromatosis, type 1. Last evaluated: 2016-11-01. Review status: criteria provided, single submitter. Criteria: ACMG Guidelines, 2015. Collection method: clinical testing. Allele origin: germline. Affected: yes.

MutSpliceDB: a database of splice sites variants effects on splicing, NIH
No classification provided (evidence only). Review status: no classification provided. Collection method: in vitro. Allele origin: not applicable. Functional consequence: retained intron. Not counted in ClinVar's aggregate classification.

Literature cited by the submitters: PubMed 18546366 (cited by Ambry Genetics); PubMed 31370276 (cited by Ambry Genetics); PubMed 16199547 (cited by Labcorp Genetics (formerly Invitae), Labcorp); PubMed 10712197 (cited by Labcorp Genetics (formerly Invitae), Labcorp); PubMed 23913538 (cited by Labcorp Genetics (formerly Invitae), Labcorp); PubMed 16461335 (cited by Labcorp Genetics (formerly Invitae), Labcorp); PubMed 28961165 (cited by Labcorp Genetics (formerly Invitae), Labcorp); PubMed 30014477 (cited by Labcorp Genetics (formerly Invitae), Labcorp).